The following is an entry in ClinVar:

NM_030667.3(PTPRO):c.31G>T (p.Ala11Ser)

Gene: PTPRO (protein tyrosine phosphatase receptor type O; plus strand). Cytogenetic location: 12p12.3.
Variant type: single nucleotide variant.
Coding change: c.31G>T on transcript NM_030667.3 (MANE Select); coding-DNA position 31, G replaced by T.
Protein change: p.Ala11Ser; replaces alanine 11 with serine.
Molecular consequence: missense variant.
Genome position (GRCh38, 1-based): chr12:15,322,757, G>T. VCF-style: chr12-15322757-G-T. GRCh37 (hg19) VCF-style: chr12-15475691-G-T.
Other names: p.Ala11Ser; c.31G>T (NM_030667.2); c.31G>T, p.Ala11Ser (NM_002848.4); short protein forms A11S.
Identifiers: ClinVar variation 1614800 (VCV001614800.11), dbSNP rs139015332, ClinGen allele CA6466156.

ClinVar aggregate classification (germline): Benign/Likely benign. Review status: criteria provided, multiple submitters, no conflicts (2 of 4 stars). 3 submissions from 3 submitters: Benign (1); Likely benign (1). 1 of the submissions does not count toward it. Last evaluated 2025-11-26.

Conditions:
PTPRO-related disorder. Also called: PTPRO-related condition.

Allele frequency attached by ClinVar (database versions not stated): 1000 Genomes Project 30x 0.00031; 1000 Genomes Project 0.00040; ExAC 0.00079; TOPMed 0.00080; gnomAD exomes 0.00081; gnomAD 0.00085 and 0.00086; ESP Exome Variant Server 0.00092.
gnomAD v4.1: 1,694 of 1,611,168 alleles (0.11%); highest among the groups gnomAD compares: Non-Finnish European, 0.11%; 6 homozygotes.

Submissions (3):

Labcorp Genetics (formerly Invitae), Labcorp
Classification: Benign. Last evaluated: 2025-11-26. Review status: criteria provided, single submitter. Criteria: Invitae Variant Classification Sherloc (09022015). Collection method: clinical testing. Allele origin: germline.

Mayo Clinic Laboratories, Mayo Clinic
Classification: Likely benign. Last evaluated: 2025-03-21. Review status: criteria provided, single submitter. Criteria: ACMG Guidelines, 2015. Collection method: clinical testing. Allele origin: germline. Observed: 1 variant allele.
Comment: BS1, BP4_moderate

PreventionGenetics, part of Exact Sciences
Classification: Likely benign for PTPRO-related condition. Last evaluated: 2019-08-30. Review status: no assertion criteria provided. Collection method: clinical testing. Allele origin: germline. Not counted in ClinVar's aggregate classification.
Comment: This variant is classified as likely benign based on ACMG/AMP sequence variant interpretation guidelines (Richards et al. 2015 PMID: 25741868, with internal and published modifications).